The following is an entry in ClinVar:

ClinVar aggregate classification (germline): Uncertain significance (1 of 4 stars; one submission).

gnomAD v4.1: 1 of 1,613,834 alleles (0.000062%); highest among the groups gnomAD compares: Non-Finnish European, 0.000085%; no homozygotes.

Submission:

Labcorp Genetics (formerly Invitae), Labcorp
Classification: Uncertain significance. Last evaluated: 2025-02-15. Review status: criteria provided, single submitter. Criteria: Invitae Variant Classification Sherloc (09022015). Collection method: clinical testing. Allele origin: germline.
Comment: This sequence change replaces isoleucine, which is neutral and non-polar, with methionine, which is neutral and non-polar, at codon 66 of the CLUAP1 protein (p.Ile66Met). This variant is not present in population databases (gnomAD no frequency). This variant has not been reported in the literature in individuals affected with CLUAP1-related conditions. Invitae Evidence Modeling of protein sequence and biophysical properties (such as structural, functional, and spatial information, amino acid conservation, physicochemical variation, residue mobility, and thermodynamic stability) indicates that this missense variant is expected to disrupt CLUAP1 protein function with a positive predictive value of 80%. In summary, the available evidence is currently insufficient to determine the role of this variant in disease. Therefore, it has been classified as a Variant of Uncertain Significance.

NM_015041.3(CLUAP1):c.198T>G (p.Ile66Met)

Gene: CLUAP1 (clusterin associated protein 1; plus strand). Cytogenetic location: 16p13.3.
Variant type: single nucleotide variant.
Coding change: c.198T>G on transcript NM_015041.3 (MANE Select); coding-DNA position 198, T replaced by G.
Protein change: p.Ile66Met; replaces isoleucine 66 with methionine.
Molecular consequence: missense variant.
Genome position (GRCh38, 1-based): chr16:3,506,394, T>G. VCF-style: chr16-3506394-T-G. GRCh37 (hg19) VCF-style: chr16-3556394-T-G.
Other names: c.198T>G, p.Ile66Met (NM_001330454.2); short protein forms I66M.
Identifiers: ClinVar variation 4770304 (VCV004770304.1).